The following is an entry in ClinVar:

ClinVar aggregate classification (germline): Uncertain significance (1 of 4 stars; one submission).

Allele frequency attached by ClinVar (database versions not stated): gnomAD exomes below 0.00001.
gnomAD v4.1: 4 of 1,613,216 alleles (0.00025%); highest among the groups gnomAD compares: South Asian, 0.0011%; no homozygotes.

Submission:

Labcorp Genetics (formerly Invitae), Labcorp
Classification: Uncertain significance. Last evaluated: 2023-07-17. Review status: criteria provided, single submitter. Criteria: Invitae Variant Classification Sherloc (09022015). Collection method: clinical testing. Allele origin: germline.
Comment: In summary, the available evidence is currently insufficient to determine the role of this variant in disease. Therefore, it has been classified as a Variant of Uncertain Significance. Advanced modeling of protein sequence and biophysical properties (such as structural, functional, and spatial information, amino acid conservation, physicochemical variation, residue mobility, and thermodynamic stability) has been performed at Invitae for this missense variant, however the output from this modeling did not meet the statistical confidence thresholds required to predict the impact of this variant on MYO7A protein function. ClinVar contains an entry for this variant (Variation ID: 1406927). This missense change has been observed in individual(s) with deafness (PMID: 27984600). This variant is not present in population databases (gnomAD no frequency). This sequence change replaces histidine, which is basic and polar, with tyrosine, which is neutral and polar, at codon 1888 of the MYO7A protein (p.His1888Tyr).

Literature cited by the submitters: PubMed 27984600.

NM_000260.4(MYO7A):c.5662C>T (p.His1888Tyr)

Gene: MYO7A (myosin VIIA; plus strand). Cytogenetic location: 11q13.5.
Variant type: single nucleotide variant.
Coding change: c.5662C>T on transcript NM_000260.4 (MANE Select); coding-DNA position 5662, C replaced by T.
Protein change: p.His1888Tyr; replaces histidine 1888 with tyrosine.
Molecular consequence: missense variant.
Genome position (GRCh38, 1-based): chr11:77,206,122, C>T. VCF-style: chr11-77206122-C-T. GRCh37 (hg19) VCF-style: chr11-76917167-C-T.
Other names: c.5548C>T, p.His1850Tyr (NM_001127180.2); c.5515C>T, p.His1839Tyr (NM_001369365.1); short protein forms H1839Y, H1850Y, H1888Y.
Identifiers: ClinVar variation 1406927 (VCV001406927.6), dbSNP rs2135739124, ClinGen allele CA381953215.